The following is an entry in ClinVar:

NM_000051.4(ATM):c.5066A>G (p.Gln1689Arg)

Gene: ATM (ATM serine/threonine kinase; plus strand). Cytogenetic location: 11q22.3.
Variant type: single nucleotide variant.
Coding change: c.5066A>G on transcript NM_000051.4 (MANE Select); coding-DNA position 5066, A replaced by G.
Protein change: p.Gln1689Arg; replaces glutamine 1689 with arginine.
Molecular consequence: missense variant.
Genome position (GRCh38, 1-based): chr11:108,299,774, A>G. VCF-style: chr11-108299774-A-G. GRCh37 (hg19) VCF-style: chr11-108170501-A-G.
Other names: c.5066A>G, p.Gln1689Arg (NM_001351834.2); short protein forms Q1689R.
Identifiers: ClinVar variation 453558 (VCV000453558.8), dbSNP rs1555104616, ClinGen allele CA382540535.

ClinVar aggregate classification (germline): Uncertain significance. Review status: criteria provided, multiple submitters, no conflicts (2 of 4 stars). 2 submissions from 2 submitters: Uncertain significance (2). Last evaluated 2024-11-05.

Conditions:
Hereditary cancer-predisposing syndrome. Also called: Tumor predisposition; Hereditary Cancer Syndrome; Neoplastic Syndromes, Hereditary; Hereditary neoplastic syndrome. Identifiers: Orphanet 140162, MedGen C0027672, MeSH D009386, MONDO:0015356.
Ataxia-telangiectasia syndrome (AT). Also called: Cerebello-oculocutaneous telangiectasia; Immunodeficiency with ataxia telangiectasia; Ataxia-telangiectasia, complementation group D; AT, COMPLEMENTATION GROUP C; Ataxia-telangiectasia, complementation group E; LOUIS-BAR SYNDROME. Identifiers: Orphanet 100, MedGen C0004135, MONDO:0008840, OMIM 208900.

Submissions (2):

Labcorp Genetics (formerly Invitae), Labcorp
Classification: Uncertain significance for Ataxia-telangiectasia syndrome. Last evaluated: 2024-11-05. Review status: criteria provided, single submitter. Criteria: Invitae Variant Classification Sherloc (09022015). Collection method: clinical testing. Allele origin: germline.
Comment: This sequence change replaces glutamine, which is neutral and polar, with arginine, which is basic and polar, at codon 1689 of the ATM protein (p.Gln1689Arg). This variant is not present in population databases (gnomAD no frequency). This variant has not been reported in the literature in individuals affected with ATM-related conditions. ClinVar contains an entry for this variant (Variation ID: 453558). Invitae Evidence Modeling of protein sequence and biophysical properties (such as structural, functional, and spatial information, amino acid conservation, physicochemical variation, residue mobility, and thermodynamic stability) indicates that this missense variant is not expected to disrupt ATM protein function with a negative predictive value of 95%. In summary, the available evidence is currently insufficient to determine the role of this variant in disease. Therefore, it has been classified as a Variant of Uncertain Significance.

Ambry Genetics
Classification: Uncertain significance for Hereditary cancer-predisposing syndrome. Last evaluated: 2024-01-17. Review status: criteria provided, single submitter. Criteria: Ambry Variant Classification Scheme 2023. Collection method: clinical testing. Allele origin: germline.
Comment: The p.Q1689R variant (also known as c.5066A>G), located in coding exon 33 of the ATM gene, results from an A to G substitution at nucleotide position 5066. The glutamine at codon 1689 is replaced by arginine, an amino acid with highly similar properties. This amino acid position is conserved. In addition, this alteration is predicted to be tolerated by in silico analysis. Based on the available evidence, the clinical significance of this alteration remains unclear.